The following is an entry in ClinVar:

ClinVar aggregate classification (germline): Uncertain significance (1 of 4 stars; one submission).

Conditions:
Hereditary cancer-predisposing syndrome. Also called: Neoplastic Syndromes, Hereditary; Tumor predisposition; Hereditary Cancer Syndrome; Hereditary neoplastic syndrome. Identifiers: Orphanet 140162, MedGen C0027672, MeSH D009386, MONDO:0015356.

Submission:

Ambry Genetics
Classification: Uncertain significance for Hereditary cancer-predisposing syndrome. Last evaluated: 2016-08-01. Review status: criteria provided, single submitter. Criteria: Ambry Variant Classification Scheme 2023. Collection method: clinical testing. Allele origin: germline.
Comment: The p.K699E variant (also known as c.2095A>G), located in coding exon 13 of the BRIP1 gene, results from an A to G substitution at nucleotide position 2095. The lysine at codon 699 is replaced by glutamic acid, an amino acid with similar properties. This amino acid position is highly conserved in available vertebrate species. In addition, the in silico prediction for this alteration is inconclusive. Since supporting evidence is limited at this time, the clinical significance of this alteration remains unclear.

NM_032043.3(BRIP1):c.2095A>G (p.Lys699Glu)

Gene: BRIP1 (BRCA1 interacting DNA helicase 1; minus strand). Cytogenetic location: 17q23.2.
Variant type: single nucleotide variant.
Coding change: c.2095A>G on transcript NM_032043.3 (MANE Select); coding-DNA position 2095, A replaced by G.
Protein change: p.Lys699Glu; replaces lysine 699 with glutamic acid.
Molecular consequence: missense variant.
Genome position (GRCh38, 1-based): chr17:61,776,403, T>C on the plus strand (A>G on the coding strand, the complement: BRIP1 is on the minus strand). VCF-style: chr17-61776403-T-C. GRCh37 (hg19) VCF-style: chr17-59853764-T-C.
Other names: short protein forms K699E.
Identifiers: ClinVar variation 483164 (VCV000483164.5), dbSNP rs1555601002, ClinGen allele CA400477963.